The following is an entry in ClinVar:

NM_020987.5(ANK3):c.9124G>A (p.Glu3042Lys)

Gene: ANK3 (ankyrin 3; minus strand). Cytogenetic location: 10q21.2.
Variant type: single nucleotide variant.
Coding change: c.9124G>A on transcript NM_020987.5 (MANE Select); coding-DNA position 9124, G replaced by A.
Protein change: p.Glu3042Lys; replaces glutamic acid 3042 with lysine.
Molecular consequence: missense variant. On other transcripts: intron variant (4).
Genome position (GRCh38, 1-based): chr10:60,071,757, C>T on the plus strand (G>A on the coding strand, the complement: ANK3 is on the minus strand). VCF-style: chr10-60071757-C-T. GRCh37 (hg19) VCF-style: chr10-61831515-C-T.
Other names: c.4388-3748G>A (NM_001204403.2); c.4409-3748G>A (NM_001204404.2); c.4406-3748G>A (NM_001320874.2); c.1808-3748G>A (NM_001149.4); c.9124G>A (NM_020987.3); short protein forms E3042K.
Identifiers: ClinVar variation 1405148 (VCV001405148.12), dbSNP rs146205433, ClinGen allele CA5511437.

ClinVar aggregate classification (germline): Uncertain significance. Review status: criteria provided, multiple submitters, no conflicts (2 of 4 stars). 3 submissions from 3 submitters: Uncertain significance (3). Last evaluated 2025-12-01.

Conditions:
Inborn genetic diseases. Identifiers: MedGen C0950123, MeSH D030342.

Allele frequency attached by ClinVar (database versions not stated): gnomAD exomes 0.00002 and 0.00003; ExAC 0.00004; ESP Exome Variant Server 0.00008; TOPMed 0.00009; gnomAD 0.00011 and 0.00014.
gnomAD v4.1: 50 of 1,597,518 alleles (0.0031%); highest among the groups gnomAD compares: African/African-American, 0.03%; no homozygotes.

Submissions (3):

CeGaT Center for Human Genetics Tuebingen
Classification: Uncertain significance. Last evaluated: 2025-12-01. Review status: criteria provided, single submitter. Criteria: CeGaT Center For Human Genetics Tuebingen Variant Classification Criteria Version 2. Collection method: clinical testing. Allele origin: germline. Affected: yes. Observed: 1 variant allele.
Comment: ANK3: PM2

Ambry Genetics
Classification: Uncertain significance for Inborn genetic diseases. Last evaluated: 2023-04-07. Review status: criteria provided, single submitter. Criteria: Ambry Variant Classification Scheme 2023. Collection method: clinical testing. Allele origin: germline.

Labcorp Genetics (formerly Invitae), Labcorp
Classification: Uncertain significance. Last evaluated: 2022-07-19. Review status: criteria provided, single submitter. Criteria: Invitae Variant Classification Sherloc (09022015). Collection method: clinical testing. Allele origin: germline.
Comment: This sequence change replaces glutamic acid, which is acidic and polar, with lysine, which is basic and polar, at codon 3042 of the ANK3 protein (p.Glu3042Lys). This variant is present in population databases (rs146205433, gnomAD 0.03%). This variant has not been reported in the literature in individuals affected with ANK3-related conditions. ClinVar contains an entry for this variant (Variation ID: 1405148). Algorithms developed to predict the effect of missense changes on protein structure and function are either unavailable or do not agree on the potential impact of this missense change (SIFT: "Not Available"; PolyPhen-2: "Probably Damaging"; Align-GVGD: "Not Available"). In summary, the available evidence is currently insufficient to determine the role of this variant in disease. Therefore, it has been classified as a Variant of Uncertain Significance.